The following is an entry in ClinVar:

ClinVar aggregate classification (germline): Likely pathogenic (1 of 4 stars; one submission).

Submission:

GeneDx
Classification: Likely pathogenic. Last evaluated: 2024-03-25. Review status: criteria provided, single submitter. Criteria: GeneDx Variant Classification Process June 2021. Collection method: clinical testing. Allele origin: germline. Affected: yes.
Comment: Not observed at significant frequency in large population cohorts (gnomAD); In silico analysis supports that this missense variant has a deleterious effect on protein structure/function; Also known as c.1109G>C p.(Gly370Ala); This variant is associated with the following publications: (PMID: 36901946)

NM_001320752.2(STS):c.1109G>C (p.Gly370Ala)

Gene: STS (steroid sulfatase; plus strand). Cytogenetic location: Xp22.31.
Variant type: single nucleotide variant.
Coding change: c.1109G>C on transcript NM_001320752.2 (MANE Select); coding-DNA position 1109, G replaced by C.
Protein change: p.Gly370Ala; replaces glycine 370 with alanine.
Molecular consequence: missense variant.
Genome position (GRCh38, 1-based): chrX:7,325,366, G>C. VCF-style: chrX-7325366-G-C. GRCh37 (hg19) VCF-style: chrX-7243407-G-C.
Other names: c.1109G>C, p.Gly370Ala (NM_000351.7, NM_001320753.2, NM_001320754.2); c.1145G>C, p.Gly382Ala (NM_001320750.3, NM_001320751.2); short protein forms G382A, G370A.
Identifiers: ClinVar variation 450562 (VCV000450562.3), dbSNP rs1555967260, ClinGen allele CA412022376.